The following is an entry in ClinVar:

NM_001382567.1(STIM1):c.139+161A>C

Genes: STIM1 (stromal interaction molecule 1; plus strand), LOC130005167 (ATAC-STARR-seq lymphoblastoid active region 4314; plus strand). Cytogenetic location: 11p15.4.
Variant type: single nucleotide variant.
Coding change: c.139+161A>C on transcript NM_001382567.1 (MANE Select); 161 bases into the intron after coding-DNA position 139, A replaced by C.
Molecular consequence: intron variant.
Genome position (GRCh38, 1-based): chr11:3,856,570, A>C. VCF-style: chr11-3856570-A-C. GRCh37 (hg19) VCF-style: chr11-3877800-A-C.
Other names: c.-84+1834A>C (NM_001382578.1, NM_001382575.1, NM_001382574.1); c.-220+1834A>C (NM_001382580.1, NM_001382581.1); c.-84+1916A>C (NM_001382576.1); c.-84+1154A>C (NM_001382566.1, NM_001382579.1, NM_001382577.1 and 1 more transcripts); c.139+161A>C (NM_001382568.1, NM_001277962.2, NM_003156.4 and 3 more transcripts); c.135+161A>C (NM_001382569.1); c.-99+161A>C (NM_001382571.1).
Identifiers: ClinVar variation 1683863 (VCV001683863.2), dbSNP rs76548597, ClinGen allele CA216520815.

ClinVar aggregate classification (germline): Likely benign (1 of 4 stars; one submission).

Allele frequency attached by ClinVar (database versions not stated): gnomAD 0.00664 and 0.00716; TOPMed 0.00693; 1000 Genomes Project 0.00839; 1000 Genomes Project 30x 0.00843.
gnomAD v4.1: 1,002 of 152,366 alleles (0.66%); highest among the groups gnomAD compares: African/African-American, 2.3%; 12 homozygotes.

Submission:

GeneDx
Classification: Likely benign. Last evaluated: 2021-05-26. Review status: criteria provided, single submitter. Criteria: GeneDx Variant Classification Process June 2021. Collection method: clinical testing. Allele origin: germline. Affected: yes.
Comment: See Variant Classification Assertion Criteria.